The following is an entry in ClinVar:

ClinVar aggregate classification (germline): Uncertain significance (1 of 4 stars; one submission).

Allele frequency attached by ClinVar (database versions not stated): gnomAD exomes below 0.00001.
gnomAD v4.1: 1 of 1,612,186 alleles (0.000062%); highest among the groups gnomAD compares: Non-Finnish European, 0.000085%; no homozygotes.

Submission:

GeneDx
Classification: Uncertain significance. Last evaluated: 2022-11-23. Review status: criteria provided, single submitter. Criteria: GeneDx Variant Classification Process June 2021. Collection method: clinical testing. Allele origin: germline. Affected: yes.
Comment: Not observed at significant frequency in large population cohorts (gnomAD); In silico analysis supports that this missense variant does not alter protein structure/function; Has not been previously published as pathogenic or benign to our knowledge

NM_014363.6(SACS):c.7816A>C (p.Asn2606His)

Gene: SACS (sacsin molecular chaperone; minus strand). Cytogenetic location: 13q12.12.
Variant type: single nucleotide variant.
Coding change: c.7816A>C on transcript NM_014363.6 (MANE Select); coding-DNA position 7816, A replaced by C.
Protein change: p.Asn2606His; replaces asparagine 2606 with histidine.
Molecular consequence: missense variant.
Genome position (GRCh38, 1-based): chr13:23,336,060, T>G on the plus strand (A>C on the coding strand, the complement: SACS is on the minus strand). VCF-style: chr13-23336060-T-G. GRCh37 (hg19) VCF-style: chr13-23910199-T-G.
Other names: c.7375A>C, p.Asn2459His (NM_001278055.2); short protein forms N2459H, N2606H.
Identifiers: ClinVar variation 1801080 (VCV001801080.1), dbSNP rs2542228327, ClinGen allele CA387518154.